The following is an entry in ClinVar:

ClinVar aggregate classification (germline): Benign (1 of 4 stars; one submission).

Allele frequency attached by ClinVar (database versions not stated): 1000 Genomes Project 30x 0.02592; 1000 Genomes Project 0.02656; TOPMed 0.05494; gnomAD 0.05528 and 0.05641.
gnomAD v4.1: 8,446 of 152,156 alleles (5.6%); highest among the groups gnomAD compares: Middle Eastern, 10%; 335 homozygotes.

Submission:

GeneDx
Classification: Benign. Last evaluated: 2018-06-14. Review status: criteria provided, single submitter. Criteria: GeneDx Variant Classification (06012015). Collection method: clinical testing. Allele origin: germline. Affected: yes.
Comment: This variant is considered likely benign or benign based on one or more of the following criteria: it is a conservative change, it occurs at a poorly conserved position in the protein, it is predicted to be benign by multiple in silico algorithms, and/or has population frequency not consistent with disease.

NM_001005242.3(PKP2):c.223+286G>A

Gene: PKP2 (plakophilin 2; minus strand). Cytogenetic location: 12p11.21.
Variant type: single nucleotide variant.
Coding change: c.223+286G>A on transcript NM_001005242.3 (MANE Select); 286 bases into the intron after coding-DNA position 223, G replaced by A.
Molecular consequence: intron variant.
Genome position (GRCh38, 1-based): chr12:32,896,223, C>T on the plus strand (G>A on the coding strand, the complement: PKP2 is on the minus strand). VCF-style: chr12-32896223-C-T. GRCh37 (hg19) VCF-style: chr12-33049157-C-T.
Other names: c.223+286G>A (NM_004572.4).
Identifiers: ClinVar variation 669622 (VCV000669622.1), dbSNP rs78143613, ClinGen allele CA13753966.
Genomic context (GRCh38, chr12:32,896,223, plus strand): 5'-CAAGGTGTTTATAGACTCCCTGAACCTTCAAATTAAGTCCGCACCAGTGAGGGGCGCGGA[C>T]CGGCGGAGTAGAAAAAGAAAGGGGTGAAATCTTGAAGTGAGTTAGTTAACATTGATAGAT-3'